The following is an entry in ClinVar:

ClinVar aggregate classification (germline): Uncertain significance (1 of 4 stars; one submission).

Submission:

GeneDx
Classification: Uncertain significance. Last evaluated: 2024-08-11. Review status: criteria provided, single submitter. Criteria: GeneDx Variant Classification Process June 2021. Collection method: clinical testing. Allele origin: germline. Affected: yes.
Comment: Not observed at significant frequency in large population cohorts (gnomAD); In silico analysis indicates that this missense variant does not alter protein structure/function; Has not been previously published as pathogenic or benign to our knowledge; This variant is associated with the following publications: (PMID: 23532176)

NM_000051.4(ATM):c.7256G>C (p.Arg2419Thr)

Genes: ATM (ATM serine/threonine kinase; plus strand), C11orf65 (chromosome 11 open reading frame 65; minus strand). Cytogenetic location: 11q22.3.
Variant type: single nucleotide variant.
Coding change: c.7256G>C on transcript NM_000051.4 (MANE Select); coding-DNA position 7256, G replaced by C.
Protein change: p.Arg2419Thr; replaces arginine 2419 with threonine.
Molecular consequence: missense variant. On other transcripts: intron variant (2).
Genome position (GRCh38, 1-based): chr11:108,329,187, G>C. VCF-style: chr11-108329187-G-C. GRCh37 (hg19) VCF-style: chr11-108199914-G-C.
Other names: c.7256G>C, p.Arg2419Thr (NM_001351834.2); c.641-20116C>G (NM_001330368.2); c.*38+6033C>G (NM_001351110.2); short protein forms R2419T.
Identifiers: ClinVar variation 3731089 (VCV003731089.1).